The following is an entry in ClinVar:

ClinVar aggregate classification (germline): Uncertain significance (1 of 4 stars; one submission).

Conditions:
Familial adenomatous polyposis 1 (FAP1). Also called: FAMILIAL ADENOMATOUS POLYPOSIS 1, ATTENUATED; POLYPOSIS, ADENOMATOUS INTESTINAL. Identifiers: MedGen C2713442, MONDO:0021056, OMIM 175100. Disease mechanism: loss of function.

Submission:

Labcorp Genetics (formerly Invitae), Labcorp
Classification: Uncertain significance for Familial adenomatous polyposis 1. Last evaluated: 2025-07-21. Review status: criteria provided, single submitter. Criteria: Invitae Variant Classification Sherloc (09022015). Collection method: clinical testing. Allele origin: germline.
Comment: This sequence change replaces phenylalanine, which is neutral and non-polar, with leucine, which is neutral and non-polar, at codon 1354 of the APC protein (p.Phe1354Leu). This variant is not present in population databases (gnomAD no frequency). This variant has not been reported in the literature in individuals affected with APC-related conditions. ClinVar contains an entry for this variant (Variation ID: 840041). Invitae Evidence Modeling of protein sequence and biophysical properties (such as structural, functional, and spatial information, amino acid conservation, physicochemical variation, residue mobility, and thermodynamic stability) indicates that this missense variant is not expected to disrupt APC protein function with a negative predictive value of 95%. In summary, the available evidence is currently insufficient to determine the role of this variant in disease. Therefore, it has been classified as a Variant of Uncertain Significance.

NM_000038.6(APC):c.4062T>G (p.Phe1354Leu)

Gene: APC (APC regulator of Wnt signaling pathway; plus strand). Cytogenetic location: 5q22.2.
Variant type: single nucleotide variant.
Coding change: c.4062T>G on transcript NM_000038.6 (MANE Select); coding-DNA position 4062, T replaced by G.
Protein change: p.Phe1354Leu; replaces phenylalanine 1354 with leucine.
Molecular consequence: missense variant.
Genome position (GRCh38, 1-based): chr5:112,839,656, T>G. VCF-style: chr5-112839656-T-G. GRCh37 (hg19) VCF-style: chr5-112175353-T-G.
Other names: c.3939T>G, p.Phe1313Leu (NM_001354900.2); c.3885T>G, p.Phe1295Leu (NM_001354901.2); c.3789T>G, p.Phe1263Leu (NM_001354902.2); c.3759T>G, p.Phe1253Leu (NM_001354903.2); c.3684T>G, p.Phe1228Leu (NM_001354904.2); c.3582T>G, p.Phe1194Leu (NM_001354905.2); c.3213T>G, p.Phe1071Leu (NM_001354906.2); c.4062T>G, p.Phe1354Leu (NM_001127510.3, NM_001354895.2); and 5 more; short protein forms F1228L, F1313L, F1364L, F1194L, F1295L, F1372L, F1253L, F1326L.
Identifiers: ClinVar variation 840041 (VCV000840041.11), dbSNP rs1765592761, ClinGen allele CA16030235.
Genomic context (GRCh38, chr5:112,839,656, plus strand): 5'-CAGCAGACTGCAGGGTTCTAGTTTATCTTCAGAATCAGCCAGGCACAAAGCTGTTGAATT[T>G]TCTTCAGGAGCGAAATCTCCCTCCAAAAGTGGTGCTCAGACACCCAAAAGTCCACCTGAA-3'
Protein context (NP_000029.2, residues 1344-1364): SESARHKAVE[Phe1354Leu]SSGAKSPSKS